The following is an entry in ClinVar:

ClinVar aggregate classification (germline): Uncertain significance. Review status: criteria provided, multiple submitters, no conflicts (2 of 4 stars). 2 submissions from 2 submitters: Uncertain significance (2). Last evaluated 2023-07-25.

Conditions:
Hajdu-Cheney syndrome (HJCYS). Also called: ACROOSTEOLYSIS WITH OSTEOPOROSIS AND CHANGES IN SKULL AND MANDIBLE; SERPENTINE FIBULA-POLYCYSTIC KIDNEY SYNDROME; Acroosteolysis dominant type. Identifiers: Orphanet 955, MedGen C0917715, MONDO:0007057, OMIM 102500.
Alagille syndrome due to a NOTCH2 point mutation. Also called: Alagille syndrome 2. Identifiers: Orphanet 261629, Orphanet 52, MedGen C1857761, MONDO:0012439, OMIM 610205.

Allele frequency attached by ClinVar (database versions not stated): gnomAD exomes below 0.00001; gnomAD 0.00001; TOPMed 0.00003.
gnomAD v4.1: 3 of 1,612,536 alleles (0.00019%); highest among the groups gnomAD compares: Admixed American, 0.0017%; no homozygotes.

Submissions (2):

Labcorp Genetics (formerly Invitae), Labcorp
Classification: Uncertain significance for Hajdu-Cheney syndrome. Last evaluated: 2023-07-25. Review status: criteria provided, single submitter. Criteria: Invitae Variant Classification Sherloc (09022015). Collection method: clinical testing. Allele origin: germline.
Comment: This sequence change replaces methionine, which is neutral and non-polar, with valine, which is neutral and non-polar, at codon 660 of the NOTCH2 protein (p.Met660Val). This variant is not present in population databases (gnomAD no frequency). This variant has not been reported in the literature in individuals affected with NOTCH2-related conditions. ClinVar contains an entry for this variant (Variation ID: 957268). Advanced modeling of protein sequence and biophysical properties (such as structural, functional, and spatial information, amino acid conservation, physicochemical variation, residue mobility, and thermodynamic stability) performed at Invitae indicates that this missense variant is not expected to disrupt NOTCH2 protein function. In summary, the available evidence is currently insufficient to determine the role of this variant in disease. Therefore, it has been classified as a Variant of Uncertain Significance.

Fulgent Genetics
Classification: Uncertain significance for Hajdu-Cheney syndrome; Alagille syndrome due to a NOTCH2 point mutation. Last evaluated: 2022-05-04. Review status: criteria provided, single submitter. Criteria: ACMG Guidelines, 2015. Collection method: clinical testing. Allele origin: unknown.

NM_024408.4(NOTCH2):c.1978A>G (p.Met660Val)

Gene: NOTCH2 (notch receptor 2; minus strand). Cytogenetic location: 1p12.
Variant type: single nucleotide variant.
Coding change: c.1978A>G on transcript NM_024408.4 (MANE Select); coding-DNA position 1978, A replaced by G.
Protein change: p.Met660Val; replaces methionine 660 with valine.
Molecular consequence: missense variant.
Genome position (GRCh38, 1-based): chr1:119,959,440, T>C on the plus strand (A>G on the coding strand, the complement: NOTCH2 is on the minus strand). VCF-style: chr1-119959440-T-C. GRCh37 (hg19) VCF-style: chr1-120502063-T-C.
Other names: c.1978A>G, p.Met660Val (NM_001200001.2); short protein forms M660V.
Identifiers: ClinVar variation 957268 (VCV000957268.11), dbSNP rs1447605154, ClinGen allele CA341869432.